The following is an entry in ClinVar:

ClinVar aggregate classification (germline): Uncertain significance. Review status: criteria provided, multiple submitters, no conflicts (2 of 4 stars). 2 submissions from 2 submitters: Uncertain significance (2). Last evaluated 2025-08-05.

Conditions:
Mendelian susceptibility to mycobacterial diseases due to complete IL12B deficiency. Also called: Immunodeficiency 29; IL12B DEFICIENCY. Identifiers: Orphanet 319558, MedGen C4013948, MONDO:0013954, OMIM 614890.
Inborn genetic diseases. Identifiers: MedGen C0950123, MeSH D030342.

Allele frequency attached by ClinVar (database versions not stated): gnomAD exomes 0.00002; ExAC 0.00003; gnomAD 0.00004; TOPMed 0.00007; ESP Exome Variant Server 0.00008; 1000 Genomes Project 30x 0.00016; 1000 Genomes Project 0.00020.
gnomAD v4.1: 58 of 1,614,084 alleles (0.0036%); highest among the groups gnomAD compares: Admixed American, 0.017%; no homozygotes.

Submissions (2):

Ambry Genetics
Classification: Uncertain significance for Inborn genetic diseases. Last evaluated: 2025-08-05. Review status: criteria provided, single submitter. Criteria: Ambry Variant Classification Scheme 2023. Collection method: clinical testing. Allele origin: germline.

Labcorp Genetics (formerly Invitae), Labcorp
Classification: Uncertain significance for Mendelian susceptibility to mycobacterial diseases due to complete IL12B deficiency. Last evaluated: 2022-05-25. Review status: criteria provided, single submitter. Criteria: Invitae Variant Classification Sherloc (09022015). Collection method: clinical testing. Allele origin: germline.
Comment: This sequence change replaces arginine, which is basic and polar, with histidine, which is basic and polar, at codon 313 of the IL12B protein (p.Arg313His). This variant is present in population databases (rs377524637, gnomAD 0.009%). This variant has not been reported in the literature in individuals affected with IL12B-related conditions. Algorithms developed to predict the effect of missense changes on protein structure and function output the following: SIFT: "Tolerated"; PolyPhen-2: "Benign"; Align-GVGD: "Class C0". The histidine amino acid residue is found in multiple mammalian species, which suggests that this missense change does not adversely affect protein function. In summary, the available evidence is currently insufficient to determine the role of this variant in disease. Therefore, it has been classified as a Variant of Uncertain Significance.

NM_002187.3(IL12B):c.938G>A (p.Arg313His)

Gene: IL12B (interleukin 12B; minus strand). Cytogenetic location: 5q33.3.
Variant type: single nucleotide variant.
Coding change: c.938G>A on transcript NM_002187.3 (MANE Select); coding-DNA position 938, G replaced by A.
Protein change: p.Arg313His; replaces arginine 313 with histidine.
Molecular consequence: missense variant.
Genome position (GRCh38, 1-based): chr5:159,316,734, C>T on the plus strand (G>A on the coding strand, the complement: IL12B is on the minus strand). VCF-style: chr5-159316734-C-T. GRCh37 (hg19) VCF-style: chr5-158743742-C-T.
Other names: c.938G>A (NM_002187.2); short protein forms R313H.
Identifiers: ClinVar variation 1439370 (VCV001439370.5), dbSNP rs377524637, ClinGen allele CA3538660.
Genomic context (GRCh38, chr5:159,316,734, plus strand): 5'-GGCCTGCTCACCTAACTGCAGGGCACAGATGCCCATTCGCTCCAAGATGAGCTATAGTAG[C>T]GGTCCTGGGCCCGCACGCTAATGCTGGCATTTTTGCGGCAGATGACCGTGGCTGAGGTCT-3'
Protein context (NP_002178.2, residues 303-323): NASISVRAQD[Arg313His]YYSSSWSEWA